The following is an entry in ClinVar:

ClinVar aggregate classification (germline): Uncertain significance. Review status: criteria provided, multiple submitters, no conflicts (2 of 4 stars). 2 submissions from 2 submitters: Uncertain significance (2). Last evaluated 2023-12-18.

Conditions:
Muscular dystrophy-dystroglycanopathy (congenital with brain and eye anomalies), type a, 12 (MDDGA12). Also called: WALKER-WARBURG SYNDROME OR MUSCLE-EYE-BRAIN DISEASE, POMK-RELATED. Identifiers: Orphanet 899, MedGen C3808964, MONDO:0014101, OMIM 615249.
Limb-girdle muscular dystrophy due to POMK deficiency. Also called: MUSCULAR DYSTROPHY-DYSTROGLYCANOPATHY, LIMB-GIRDLE, POMK-RELATED; Muscular dystrophy-dystroglycanopathy (limb-girdle), type c, 12. Identifiers: Orphanet 445110, MedGen C4015184, MONDO:0014489, OMIM 616094.

Allele frequency attached by ClinVar (database versions not stated): gnomAD 0.00005; gnomAD exomes 0.00001; TOPMed 0.00011.

Submissions (2):

Revvity Omics, Revvity
Classification: Uncertain significance. Last evaluated: 2023-12-18. Review status: criteria provided, single submitter. Criteria: ACMG Guidelines, 2015. Collection method: clinical testing. Allele origin: germline.

Labcorp Genetics (formerly Invitae), Labcorp
Classification: Uncertain significance for Muscular dystrophy-dystroglycanopathy (congenital with brain and eye anomalies), type a, 12; Limb-girdle muscular dystrophy due to POMK deficiency. Last evaluated: 2021-08-14. Review status: criteria provided, single submitter. Criteria: Invitae Variant Classification Sherloc (09022015). Collection method: clinical testing. Allele origin: germline.
Comment: This sequence change replaces threonine with isoleucine at codon 323 of the POMK protein (p.Thr323Ile). The threonine residue is moderately conserved and there is a moderate physicochemical difference between threonine and isoleucine. This variant is not present in population databases (ExAC no frequency). This variant has not been reported in the literature in individuals affected with POMK-related conditions. Algorithms developed to predict the effect of missense changes on protein structure and function are either unavailable or do not agree on the potential impact of this missense change (SIFT: "Deleterious"; PolyPhen-2: "Possibly Damaging"; Align-GVGD: "Class C15"). In summary, the available evidence is currently insufficient to determine the role of this variant in disease. Therefore, it has been classified as a Variant of Uncertain Significance.

NM_032237.5(POMK):c.968C>T (p.Thr323Ile)

Gene: POMK (protein O-mannose kinase; plus strand). Cytogenetic location: 8p11.21.
Variant type: single nucleotide variant.
Coding change: c.968C>T on transcript NM_032237.5 (MANE Select); coding-DNA position 968, C replaced by T.
Protein change: p.Thr323Ile; replaces threonine 323 with isoleucine.
Molecular consequence: missense variant.
Genome position (GRCh38, 1-based): chr8:43,122,792, C>T. VCF-style: chr8-43122792-C-T. GRCh37 (hg19) VCF-style: chr8-42977935-C-T.
Other names: c.968C>T, p.Thr323Ile (NM_001277971.2); short protein forms T323I.
Identifiers: ClinVar variation 1446287 (VCV001446287.6), dbSNP rs1029874324, ClinGen allele CA176080807.